The following is an entry in ClinVar:

ClinVar aggregate classification (germline): Uncertain significance. Review status: criteria provided, multiple submitters, no conflicts (2 of 4 stars). 3 submissions from 3 submitters: Uncertain significance (2). 1 of the submissions does not count toward it. Last evaluated 2025-03-11.

Conditions:
Cutis laxa, autosomal dominant 3 (ADCL3). Identifiers: Orphanet 90348, MedGen C4225268, MONDO:0014706, OMIM 616603.
Autosomal dominant spastic paraplegia type 9. Identifiers: MedGen C1832669, MONDO:0015091.
de Barsy syndrome. Also called: Cutis laxa-corneal clouding-oligophrenia syndrome. Identifiers: Orphanet 2962, MedGen C0268354, MONDO:0017569.
ALDH18A1-related disorder. Also called: ALDH18A1-related disorders.

Allele frequency attached by ClinVar (database versions not stated): ExAC 0.00002; gnomAD 0.00002; TOPMed 0.00003; gnomAD exomes 0.00004; ESP Exome Variant Server 0.00008.

Submissions (3):

Labcorp Genetics (formerly Invitae), Labcorp
Classification: Uncertain significance for Autosomal dominant spastic paraplegia type 9; de Barsy syndrome; Cutis laxa, autosomal dominant 3. Last evaluated: 2025-03-11. Review status: criteria provided, single submitter. Criteria: Invitae Variant Classification Sherloc (09022015). Collection method: clinical testing. Allele origin: germline.
Comment: This sequence change replaces arginine, which is basic and polar, with cysteine, which is neutral and slightly polar, at codon 7 of the ALDH18A1 protein (p.Arg7Cys). This variant is present in population databases (rs147364066, gnomAD 0.004%). This variant has not been reported in the literature in individuals affected with ALDH18A1-related conditions. ClinVar contains an entry for this variant (Variation ID: 2574358). An algorithm developed to predict the effect of missense changes on protein structure and function outputs the following: PolyPhen-2: "Benign". The cysteine amino acid residue is found in multiple mammalian species, which suggests that this missense change does not adversely affect protein function. In summary, the available evidence is currently insufficient to determine the role of this variant in disease. Therefore, it has been classified as a Variant of Uncertain Significance.

GeneDx
Classification: Uncertain significance. Last evaluated: 2024-12-10. Review status: criteria provided, single submitter. Criteria: GeneDx Variant Classification Process June 2021. Collection method: clinical testing. Allele origin: germline. Affected: yes.
Comment: Has not been previously published as pathogenic or benign to our knowledge; In silico analysis indicates that this missense variant does not alter protein structure/function

PreventionGenetics, part of Exact Sciences
Classification: Uncertain significance for ALDH18A1-related condition. Last evaluated: 2024-08-07. Review status: no assertion criteria provided. Collection method: clinical testing. Allele origin: germline. Not counted in ClinVar's aggregate classification.
Comment: The ALDH18A1 c.19C>T variant is predicted to result in the amino acid substitution p.Arg7Cys. To our knowledge, this variant has not been reported in the literature. This variant is reported in 0.0046% of alleles in individuals of European (Non-Finnish) descent in gnomAD. At this time, the clinical significance of this variant is uncertain due to the absence of conclusive functional and genetic evidence.

NM_002860.4(ALDH18A1):c.19C>T (p.Arg7Cys)

Gene: ALDH18A1 (aldehyde dehydrogenase 18 family member A1; minus strand). Cytogenetic location: 10q24.1.
Variant type: single nucleotide variant.
Coding change: c.19C>T on transcript NM_002860.4 (MANE Select); coding-DNA position 19, C replaced by T.
Protein change: p.Arg7Cys; replaces arginine 7 with cysteine.
Molecular consequence: missense variant. On other transcripts: 5 prime UTR variant (4).
Genome position (GRCh38, 1-based): chr10:95,653,359, G>A on the plus strand (C>T on the coding strand, the complement: ALDH18A1 is on the minus strand). VCF-style: chr10-95653359-G-A. GRCh37 (hg19) VCF-style: chr10-97413116-G-A.
Other names: c.19C>T, p.Arg7Cys (NM_001017423.2, NM_001323413.2, NM_001323414.2 and 2 more transcripts); c.-100C>T (NM_001323412.2, NM_001323416.2, NM_001323418.2); c.-148C>T (NM_001323419.2); short protein forms R7C.
Identifiers: ClinVar variation 2574358 (VCV002574358.6), dbSNP rs147364066, ClinGen allele CA5620715.
Genomic context (GRCh38, chr10:95,653,359, plus strand): 5'-AGACGGTTGTACACTTGACCCAGGGCAGAAGATGTTGGTTGAAGGGCTGGAACCCACAGC[G>A]GTAAACTTGACTCAACATGCTGCGATGTGGTCACTAACCAAAGTATCTGCAGAATACATT-3'
Protein context (NP_002851.2, residues 1-17): MLSQVY[Arg7Cys]CGFQPFNQHL